The following is an entry in ClinVar:

ClinVar aggregate classification (germline): Uncertain significance (1 of 4 stars; one submission).

Submission:

Labcorp Genetics (formerly Invitae), Labcorp
Classification: Uncertain significance. Last evaluated: 2025-01-08. Review status: criteria provided, single submitter. Criteria: Invitae Variant Classification Sherloc (09022015). Collection method: clinical testing. Allele origin: germline.
Comment: This sequence change replaces serine, which is neutral and polar, with phenylalanine, which is neutral and non-polar, at codon 100 of the KIF2A protein (p.Ser100Phe). This variant is not present in population databases (gnomAD no frequency). This variant has not been reported in the literature in individuals affected with KIF2A-related conditions. An algorithm developed to predict the effect of missense changes on protein structure and function (PolyPhen-2) suggests that this variant is likely to be tolerated. In summary, the available evidence is currently insufficient to determine the role of this variant in disease. Therefore, it has been classified as a Variant of Uncertain Significance.

NM_001098511.3(KIF2A):c.299C>T (p.Ser100Phe)

Gene: KIF2A (kinesin family member 2A; plus strand). Cytogenetic location: 5q12.1.
Variant type: single nucleotide variant.
Coding change: c.299C>T on transcript NM_001098511.3 (MANE Select); coding-DNA position 299, C replaced by T.
Protein change: p.Ser100Phe; replaces serine 100 with phenylalanine.
Molecular consequence: missense variant.
Genome position (GRCh38, 1-based): chr5:62,350,085, C>T. VCF-style: chr5-62350085-C-T. GRCh37 (hg19) VCF-style: chr5-61645912-C-T.
Other names: c.218C>T, p.Ser73Phe (NM_001243952.2); c.299C>T, p.Ser100Phe (NM_001243953.2, NM_004520.5); short protein forms S100F, S73F.
Identifiers: ClinVar variation 3728686 (VCV003728686.2).